The following is an entry in ClinVar:

NM_002772.3(TMPRSS15):c.1102A>G (p.Arg368Gly)

Gene: TMPRSS15 (transmembrane serine protease 15; minus strand). Cytogenetic location: 21q21.1.
Variant type: single nucleotide variant.
Coding change: c.1102A>G on transcript NM_002772.3 (MANE Select); coding-DNA position 1102, A replaced by G.
Protein change: p.Arg368Gly; replaces arginine 368 with glycine.
Molecular consequence: missense variant.
Genome position (GRCh38, 1-based): chr21:18,352,972, T>C on the plus strand (A>G on the coding strand, the complement: TMPRSS15 is on the minus strand). VCF-style: chr21-18352972-T-C. GRCh37 (hg19) VCF-style: chr21-19725289-T-C.
Other names: short protein forms R368G.
Identifiers: ClinVar variation 1973110 (VCV001973110.5), dbSNP rs2075585891, ClinGen allele CA409851355.
Genomic context (GRCh38, chr21:18,352,972, plus strand): 5'-TGCCAAAAGTGTGGTCAAAATTGGGTCCAGTAAAAGGAGAAAAGGTGCTTCCCTGAATCC[T>C]TTCCCATTCATTATCATCATTTAGATCCTGGACCCAGAAACAAAAGCCATCCTCAAAGTT-3'
Protein context (NP_002763.3, residues 358-378): QDLNDDNEWE[Arg368Gly]IQGSTFSPFT

ClinVar aggregate classification (germline): Uncertain significance (1 of 4 stars; one submission).

Allele frequency attached by ClinVar (database versions not stated): gnomAD 0.00001; gnomAD exomes below 0.00001.
gnomAD v4.1: 2 of 1,612,166 alleles (0.00012%); highest among the groups gnomAD compares: Middle Eastern, 0.017%; no homozygotes.

Submission:

Labcorp Genetics (formerly Invitae), Labcorp
Classification: Uncertain significance. Last evaluated: 2025-10-02. Review status: criteria provided, single submitter. Criteria: Invitae Variant Classification Sherloc (09022015). Collection method: clinical testing. Allele origin: germline.
Comment: This sequence change replaces arginine, which is basic and polar, with glycine, which is neutral and non-polar, at codon 368 of the TMPRSS15 protein (p.Arg368Gly). This variant is not present in population databases (gnomAD no frequency). This variant has not been reported in the literature in individuals affected with TMPRSS15-related conditions. ClinVar contains an entry for this variant (Variation ID: 1973110). An algorithm developed to predict the effect of missense changes on protein structure and function (PolyPhen-2) suggests that this variant is likely to be disruptive. In summary, the available evidence is currently insufficient to determine the role of this variant in disease. Therefore, it has been classified as a Variant of Uncertain Significance.